The following is an entry in ClinVar:

NM_000400.4(ERCC2):c.1407G>T (p.Lys469Asn)

Gene: ERCC2 (ERCC excision repair 2, TFIIH core complex helicase subunit; minus strand). Cytogenetic location: 19q13.32.
Variant type: single nucleotide variant.
Coding change: c.1407G>T on transcript NM_000400.4 (MANE Select); coding-DNA position 1407, G replaced by T.
Protein change: p.Lys469Asn; replaces lysine 469 with asparagine.
Molecular consequence: missense variant.
Genome position (GRCh38, 1-based): chr19:45,357,342, C>A on the plus strand (G>T on the coding strand, the complement: ERCC2 is on the minus strand). VCF-style: chr19-45357342-C-A. GRCh37 (hg19) VCF-style: chr19-45860600-C-A.
Other names: short protein forms K469N.
Identifiers: ClinVar variation 3231637 (VCV003231637.1), dbSNP rs1972046217, ClinGen allele CA406367196.

ClinVar aggregate classification (germline): Uncertain significance (1 of 4 stars; one submission).

Conditions:
Inborn genetic diseases. Identifiers: MedGen C0950123, MeSH D030342.

Submission:

Ambry Genetics
Classification: Uncertain significance for Inborn genetic diseases. Last evaluated: 2024-01-20. Review status: criteria provided, single submitter. Criteria: Ambry Variant Classification Scheme 2023. Collection method: clinical testing. Allele origin: germline.
Comment: The p.K469N variant (also known as c.1407G>T), located in coding exon 15 of the ERCC2 gene, results from a G to T substitution at nucleotide position 1407. The lysine at codon 469 is replaced by asparagine, an amino acid with similar properties. This amino acid position is conserved. In addition, this alteration is predicted to be tolerated by in silico analysis. Based on the available evidence, the clinical significance of this alteration remains unclear.